The following is an entry in ClinVar:

ClinVar aggregate classification (germline): Likely pathogenic. Review status: criteria provided, multiple submitters, no conflicts (2 of 4 stars). 2 submissions from 2 submitters: Likely pathogenic (2). Last evaluated 2025-03-03.

Conditions:
Progressive sclerosing poliodystrophy (MTDPS4A). Also called: ALPERS PROGRESSIVE INFANTILE POLIODYSTROPHY; NEURONAL DEGENERATION OF CHILDHOOD WITH LIVER DISEASE, PROGRESSIVE; Alpers Syndrome; ALPERS DIFFUSE DEGENERATION OF CEREBRAL GRAY MATTER WITH HEPATIC CIRRHOSIS; Alpers-Huttenlocher Syndrome; Mitochondrial DNA depletion syndrome 4A (Alpers type). Identifiers: Orphanet 726, MedGen C0205710, MONDO:0008758, OMIM 203700.

gnomAD v4.1: 1 of 1,614,168 alleles (0.000062%); highest among the groups gnomAD compares: Non-Finnish European, 0.000085%; no homozygotes.

Submissions (2):

Labcorp Genetics (formerly Invitae), Labcorp
Classification: Likely pathogenic for Progressive sclerosing poliodystrophy. Last evaluated: 2025-03-03. Review status: criteria provided, single submitter. Criteria: Invitae Variant Classification Sherloc (09022015). Collection method: clinical testing. Allele origin: germline.
Comment: This sequence change replaces threonine, which is neutral and polar, with alanine, which is neutral and non-polar, at codon 914 of the POLG protein (p.Thr914Ala). This variant is not present in population databases (gnomAD no frequency). This missense change has been observed in individual(s) with autosomal recessive POLG-related conditions (PMID: 20837861). ClinVar contains an entry for this variant (Variation ID: 2736250). Invitae Evidence Modeling of protein sequence and biophysical properties (such as structural, functional, and spatial information, amino acid conservation, physicochemical variation, residue mobility, and thermodynamic stability) indicates that this missense variant is expected to disrupt POLG protein function with a positive predictive value of 95%. This variant disrupts the p.Thr914 amino acid residue in POLG. Other variant(s) that disrupt this residue have been determined to be pathogenic (PMID: 16545482, 16639411, 18546365, 18828154, 23446635, 24642831, 27450679). This suggests that this residue is clinically significant, and that variants that disrupt this residue are likely to be disease-causing. In summary, the currently available evidence indicates that the variant is pathogenic, but additional data are needed to prove that conclusively. Therefore, this variant has been classified as Likely Pathogenic.

GeneDx
Classification: Likely pathogenic. Last evaluated: 2024-07-24. Review status: criteria provided, single submitter. Criteria: GeneDx Variant Classification Process June 2021. Collection method: clinical testing. Allele origin: germline. Affected: yes.
Comment: Not observed at significant frequency in large population cohorts (gnomAD); In silico analysis supports that this missense variant has a deleterious effect on protein structure/function; This variant is associated with the following publications: (PMID: 20837861)

Literature cited by the submitters: PubMed 20837861 (cited by Labcorp Genetics (formerly Invitae), Labcorp); PubMed 16545482 (cited by Labcorp Genetics (formerly Invitae), Labcorp); PubMed 16639411 (cited by Labcorp Genetics (formerly Invitae), Labcorp); PubMed 18546365 (cited by Labcorp Genetics (formerly Invitae), Labcorp); PubMed 18828154 (cited by Labcorp Genetics (formerly Invitae), Labcorp); PubMed 23446635 (cited by Labcorp Genetics (formerly Invitae), Labcorp); PubMed 24642831 (cited by Labcorp Genetics (formerly Invitae), Labcorp); PubMed 27450679 (cited by Labcorp Genetics (formerly Invitae), Labcorp).

NM_002693.3(POLG):c.2740A>G (p.Thr914Ala)

Gene: POLG (DNA polymerase gamma, catalytic subunit; minus strand). Cytogenetic location: 15q26.1.
Variant type: single nucleotide variant.
Coding change: c.2740A>G on transcript NM_002693.3 (MANE Select); coding-DNA position 2740, A replaced by G.
Protein change: p.Thr914Ala; replaces threonine 914 with alanine.
Molecular consequence: missense variant.
Genome position (GRCh38, 1-based): chr15:89,321,007, T>C on the plus strand (A>G on the coding strand, the complement: POLG is on the minus strand). VCF-style: chr15-89321007-T-C. GRCh37 (hg19) VCF-style: chr15-89864238-T-C.
Other names: c.2740A>G, p.Thr914Ala (NM_001126131.2); short protein forms T914A.
Identifiers: ClinVar variation 2736250 (VCV002736250.4), dbSNP rs139590686, ClinGen allele CA393753337.